The following is an entry in ClinVar:

NM_001369.3(DNAH5):c.11932C>T (p.Pro3978Ser)

Gene: DNAH5 (dynein axonemal heavy chain 5; minus strand). Cytogenetic location: 5p15.2.
Variant type: single nucleotide variant.
Coding change: c.11932C>T on transcript NM_001369.3 (MANE Select); coding-DNA position 11932, C replaced by T.
Protein change: p.Pro3978Ser; replaces proline 3978 with serine.
Molecular consequence: missense variant.
Genome position (GRCh38, 1-based): chr5:13,727,608, G>A on the plus strand (C>T on the coding strand, the complement: DNAH5 is on the minus strand). VCF-style: chr5-13727608-G-A. GRCh37 (hg19) VCF-style: chr5-13727717-G-A.
Other names: c.11932C>T (NM_001369.2); short protein forms P3978S.
Identifiers: ClinVar variation 2085522 (VCV002085522.5), dbSNP rs1283903903, ClinGen allele CA359218296.

ClinVar aggregate classification (germline): Uncertain significance. Review status: criteria provided, multiple submitters, no conflicts (2 of 4 stars). 2 submissions from 2 submitters: Uncertain significance (2). Last evaluated 2023-12-18.

Conditions:
Primary ciliary dyskinesia. Also called: Ciliary dyskinesia. Identifiers: Orphanet 244, MedGen C0008780, MONDO:0016575, HP:0012265.

Allele frequency attached by ClinVar (database versions not stated): gnomAD exomes below 0.00001; gnomAD 0.00001; TOPMed 0.00001.
gnomAD v4.1: 6 of 1,613,534 alleles (0.00037%); highest among the groups gnomAD compares: Admixed American, 0.0083%; no homozygotes.

Submissions (2):

Molecular Genetics McLendon Clinical Laboratories, University of North Carolina at Chapel Hill
Classification: Uncertain significance for Primary ciliary dyskinesia. Last evaluated: 2023-12-18. Review status: criteria provided, single submitter. Criteria: ACMG Guidelines, 2015. Collection method: clinical testing. Allele origin: germline.

Labcorp Genetics (formerly Invitae), Labcorp
Classification: Uncertain significance for Primary ciliary dyskinesia. Last evaluated: 2022-04-30. Review status: criteria provided, single submitter. Criteria: Invitae Variant Classification Sherloc (09022015). Collection method: clinical testing. Allele origin: germline.
Comment: In summary, the available evidence is currently insufficient to determine the role of this variant in disease. Therefore, it has been classified as a Variant of Uncertain Significance. Advanced modeling of protein sequence and biophysical properties (such as structural, functional, and spatial information, amino acid conservation, physicochemical variation, residue mobility, and thermodynamic stability) performed at Invitae indicates that this missense variant is not expected to disrupt DNAH5 protein function. This variant has not been reported in the literature in individuals affected with DNAH5-related conditions. This variant is present in population databases (no rsID available, gnomAD 0.006%). This sequence change replaces proline, which is neutral and non-polar, with serine, which is neutral and polar, at codon 3978 of the DNAH5 protein (p.Pro3978Ser).